The following is an entry in ClinVar:

NM_152703.5(SAMD9L):c.3815T>A (p.Ile1272Asn)

Gene: SAMD9L (sterile alpha motif domain containing 9 like; minus strand). Cytogenetic location: 7q21.2.
Variant type: single nucleotide variant.
Coding change: c.3815T>A on transcript NM_152703.5 (MANE Select); coding-DNA position 3815, T replaced by A.
Protein change: p.Ile1272Asn; replaces isoleucine 1272 with asparagine.
Molecular consequence: missense variant.
Genome position (GRCh38, 1-based): chr7:93,132,157, A>T on the plus strand (T>A on the coding strand, the complement: SAMD9L is on the minus strand). VCF-style: chr7-93132157-A-T. GRCh37 (hg19) VCF-style: chr7-92761470-A-T.
Other names: c.3815T>A, p.Ile1272Asn (NM_001303496.3, NM_001303497.3, NM_001303498.3 and 5 more transcripts); c.3815T>A (NM_152703.2); short protein forms I1272N.
Identifiers: ClinVar variation 1715251 (VCV001715251.6), dbSNP rs2535409012, ClinGen allele CA368179854.
Genomic context (GRCh38, chr7:93,132,157, plus strand): 5'-AACATGATTTCTGCAATTTCTTTTTGGGTATACCTCATTTTCAGAAGAACCATATAATCA[A>T]TAAAAAAGTCAAAGCACCTTTTCAGATCTGATTGTAAATTTTTTAGGTGGGATGTGAACT-3'
Protein context (NP_689916.2, residues 1262-1282): SDLKRCFDFF[Ile1272Asn]DYMVLLKMRY

ClinVar aggregate classification (germline): Uncertain significance. Review status: criteria provided, multiple submitters, no conflicts (2 of 4 stars). 2 submissions from 2 submitters: Uncertain significance (2). Last evaluated 2025-01-23.

Conditions:
Inborn genetic diseases. Identifiers: MedGen C0950123, MeSH D030342.

Submissions (2):

Ambry Genetics
Classification: Uncertain significance for Inborn genetic diseases. Last evaluated: 2025-01-23. Review status: criteria provided, single submitter. Criteria: Ambry Variant Classification Scheme 2023. Collection method: clinical testing. Allele origin: germline.
Comment: The p.I1272N variant (also known as c.3815T>A), located in coding exon 1 of the SAMD9L gene, results from a T to A substitution at nucleotide position 3815. The isoleucine at codon 1272 is replaced by asparagine, an amino acid with dissimilar properties. This amino acid position is conserved. In addition, this alteration is predicted to be tolerated by in silico analysis. Based on the available evidence, the clinical significance of this variant remains unclear.

Labcorp Genetics (formerly Invitae), Labcorp
Classification: Uncertain significance. Last evaluated: 2022-08-06. Review status: criteria provided, single submitter. Criteria: Invitae Variant Classification Sherloc (09022015). Collection method: clinical testing. Allele origin: germline.
Comment: In summary, the available evidence is currently insufficient to determine the role of this variant in disease. Therefore, it has been classified as a Variant of Uncertain Significance. Algorithms developed to predict the effect of missense changes on protein structure and function are either unavailable or do not agree on the potential impact of this missense change (SIFT: "Not Available"; PolyPhen-2: "Benign"; Align-GVGD: "Not Available"). This variant has not been reported in the literature in individuals affected with SAMD9L-related conditions. This variant is not present in population databases (gnomAD no frequency). This sequence change replaces isoleucine, which is neutral and non-polar, with asparagine, which is neutral and polar, at codon 1272 of the SAMD9L protein (p.Ile1272Asn).